The following is an entry in ClinVar:

ClinVar aggregate classification (germline): Pathogenic (1 of 4 stars; one submission).

Submission:

Labcorp Genetics (formerly Invitae), Labcorp
Classification: Pathogenic. Last evaluated: 2023-07-28. Review status: criteria provided, single submitter. Criteria: Invitae Variant Classification Sherloc (09022015). Collection method: clinical testing. Allele origin: germline.
Comment: This sequence change creates a premature translational stop signal (p.Tyr444*) in the SLC12A3 gene. It is expected to result in an absent or disrupted protein product. Loss-of-function variants in SLC12A3 are known to be pathogenic (PMID: 20848653, 22009145, 25841442). For these reasons, this variant has been classified as Pathogenic. This variant has not been reported in the literature in individuals affected with SLC12A3-related conditions. This variant is not present in population databases (gnomAD no frequency).

Literature cited by the submitters: PubMed 20848653; PubMed 22009145; PubMed 25841442.

NM_001126108.2(SLC12A3):c.1332C>G (p.Tyr444Ter)

Gene: SLC12A3 (solute carrier family 12 member 3; plus strand). Cytogenetic location: 16q13.
Variant type: single nucleotide variant.
Coding change: c.1332C>G on transcript NM_001126108.2 (MANE Select); coding-DNA position 1332, C replaced by G.
Protein change: p.Tyr444Ter; replaces tyrosine 444 with a stop codon.
Molecular consequence: nonsense.
Genome position (GRCh38, 1-based): chr16:56,879,224, C>G. VCF-style: chr16-56879224-C-G. GRCh37 (hg19) VCF-style: chr16-56913136-C-G.
Other names: c.1332C>G, p.Tyr444Ter (NM_000339.3); c.1329C>G, p.Tyr443Ter (NM_001126107.2, NM_001410896.1); short protein forms Y444*, Y443*.
Identifiers: ClinVar variation 2747744 (VCV002747744.3), dbSNP rs368907927, ClinGen allele CA395986437.